The following is an entry in ClinVar:

ClinVar aggregate classification (germline): Uncertain significance (1 of 4 stars; one submission).

Allele frequency attached by ClinVar (database versions not stated): gnomAD 0.00001; gnomAD exomes 0.00001.
gnomAD v4.1: 3 of 1,550,098 alleles (0.00019%); highest among the groups gnomAD compares: African/African-American, 0.0041%; no homozygotes.

Submission:

GeneDx
Classification: Uncertain significance. Last evaluated: 2021-02-10. Review status: criteria provided, single submitter. Criteria: GeneDx Variant Classification Process June 2021. Collection method: clinical testing. Allele origin: germline. Affected: yes.
Comment: In silico analysis supports that this missense variant does not alter protein structure/function; Has not been previously published as pathogenic or benign to our knowledge

NM_001292063.2(OTOG):c.8221G>C (p.Ala2741Pro)

Gene: OTOG (otogelin; plus strand). Cytogenetic location: 11p15.1.
Variant type: single nucleotide variant.
Coding change: c.8221G>C on transcript NM_001292063.2 (MANE Select); coding-DNA position 8221, G replaced by C.
Protein change: p.Ala2741Pro; replaces alanine 2741 with proline.
Molecular consequence: missense variant.
Genome position (GRCh38, 1-based): chr11:17,641,877, G>C. VCF-style: chr11-17641877-G-C. GRCh37 (hg19) VCF-style: chr11-17663424-G-C.
Other names: c.8257G>C, p.Ala2753Pro (NM_001277269.2); short protein forms A2741P, A2753P.
Identifiers: ClinVar variation 1314115 (VCV001314115.2), dbSNP rs1437609507, ClinGen allele CA379785434.